The following is an entry in ClinVar:

NM_206933.4(USH2A):c.6484del (p.Gln2162fs)

Gene: USH2A (usherin; minus strand). Cytogenetic location: 1q41.
Variant type: Deletion.
Coding change: c.6484del on transcript NM_206933.4 (MANE Select); coding-DNA position 6484, one base deleted (C; older notation c.6484delC).
Protein change: p.Gln2162fs; shifts the reading frame from glutamine 2162.
Molecular consequence: frameshift variant.
Genome position (GRCh38, 1-based): chr1:216,000,404, G deleted on the plus strand (C on the coding strand, the reverse complement: USH2A is on the minus strand). VCF-style (leftmost placement, unchanged base first): chr1-216000403-TG-T. GRCh37 (hg19) VCF-style: chr1-216173745-TG-T.
Other names: short protein forms Q2162fs.
Identifiers: ClinVar variation 4081850 (VCV004081850.1).

ClinVar aggregate classification (germline): Pathogenic (1 of 4 stars; one submission).

Conditions:
USH2A-related disorder. Also called: USH2A-related condition; USH2A-related disorders. Identifiers: MedGen CN239332.

Submission:

Myriad Genetics, Inc.
Classification: Pathogenic for USH2A-related disorder. Last evaluated: 2025-04-14. Review status: criteria provided, single submitter. Criteria: Myriad Autosomal Dominant, Autosomal Recessive and X-Linked Classification Criteria (2023). Collection method: clinical testing. Allele origin: unknown.
Comment: NM_206933.2(USH2A):c.6484delC(Q2162Sfs*8) is a frameshift variant classified as pathogenic in the context of USH2A-related disorders. Q2162Sfs*8 has not been observed in cases with relevant disease. Relevant functional assessments of this variant are not available in the literature. Q2162Sfs*8 has not been observed in referenced population frequency databases. In summary, NM_206933.2(USH2A):c.6484delC(Q2162Sfs*8) is a frameshift variant in a gene where loss of function is a known mechanism of disease and is predicted to disrupt protein function. Please note: this variant was assessed in the context of healthy population screening.